The following is an entry in ClinVar:

ClinVar aggregate classification (germline): Benign/Likely benign. Review status: criteria provided, multiple submitters, no conflicts (2 of 4 stars). 6 submissions from 5 submitters: Benign (2); Likely benign (3). 1 of the submissions does not count toward it. Last evaluated 2026-01-18.

Conditions:
SYNE1-related disorder. Also called: SYNE1-related disease; SYNE1-related condition; SYNE1-related disorders.
Autosomal recessive ataxia, Beauce type. Also called: Spinocerebellar ataxia, autosomal recessive 8; ATAXIA, RECESSIVE, OF BEAUCE; SYNE1-Related Autosomal Recessive Cerebellar Ataxia; SYNE1 Deficiency. Identifiers: Orphanet 88644, MedGen C1853116, MONDO:0012549, OMIM 610743.
Emery-Dreifuss muscular dystrophy 4, autosomal dominant (EDMD4). Also called: EMERY-DREIFUSS MUSCULAR DYSTROPHY 4 WITH VARIABLE FEATURES. Identifiers: Orphanet 261, MedGen C2751807, MONDO:0013071, OMIM 612998.

Allele frequency attached by ClinVar (database versions not stated): gnomAD 0.00007 and 0.00013; TOPMed 0.00010; gnomAD exomes 0.00026; 1000 Genomes Project 30x 0.00031; ExAC 0.00031; 1000 Genomes Project 0.00040.
gnomAD v4.1: 438 of 1,613,942 alleles (0.027%); highest among the groups gnomAD compares: East Asian, 0.85%; 2 homozygotes.

Submissions (6):

Labcorp Genetics (formerly Invitae), Labcorp
Classification: Likely benign for Emery-Dreifuss muscular dystrophy 4, autosomal dominant; Autosomal recessive ataxia, Beauce type. Last evaluated: 2026-01-18. Review status: criteria provided, single submitter. Criteria: Invitae Variant Classification Sherloc (09022015). Collection method: clinical testing. Allele origin: germline.

Athena Diagnostics
Classification: Benign. Last evaluated: 2025-02-06. Review status: criteria provided, single submitter. Criteria: Athena Diagnostics Criteria. Collection method: clinical testing. Allele origin: unknown.
Comment: The frequency of this variant in the general population is higher than would generally be expected for pathogenic variants in this gene.

Illumina Laboratory Services, Illumina
Classification: Likely benign for Autosomal recessive ataxia, Beauce type. Last evaluated: 2018-01-13. Review status: criteria provided, single submitter. Criteria: ICSL Variant Classification Criteria 13 December 2019. Collection method: clinical testing. Allele origin: germline.
Comment: This variant was observed in the ICSL laboratory as part of a predisposition screen in an ostensibly healthy population. It had not been previously curated by ICSL or reported in the Human Gene Mutation Database (HGMD: prior to June 1st, 2018), and was therefore a candidate for classification through an automated scoring system. Utilizing variant allele frequency, disease prevalence and penetrance estimates, and inheritance mode, an automated score was calculated to assess if this variant is too frequent to cause the disease. Based on the score and internal cut-off values, a variant classified as likely benign is not then subjected to further curation. The score for this variant resulted in a classification of likely benign for this disease.

Illumina Laboratory Services, Illumina
Classification: Benign for Emery-Dreifuss muscular dystrophy 4, autosomal dominant. Last evaluated: 2018-01-13. Review status: criteria provided, single submitter. Criteria: ICSL Variant Classification Criteria 13 December 2019. Collection method: clinical testing. Allele origin: germline.
Comment: This variant was observed in the ICSL laboratory as part of a predisposition screen in an ostensibly healthy population. It had not been previously curated by ICSL or reported in the Human Gene Mutation Database (HGMD: prior to June 1st, 2018), and was therefore a candidate for classification through an automated scoring system. Utilizing variant allele frequency, disease prevalence and penetrance estimates, and inheritance mode, an automated score was calculated to assess if this variant is too frequent to cause the disease. Based on the score and internal cut-off values, a variant classified as benign is not then subjected to further curation. The score for this variant resulted in a classification of benign for this disease.

Eurofins Ntd Llc (ga)
Classification: Likely benign. Last evaluated: 2016-11-29. Review status: criteria provided, single submitter. Criteria: EGL Classification Definitions 2015. Collection method: clinical testing. Allele origin: germline. Observed: 3 variant alleles, 3 heterozygotes.

PreventionGenetics, part of Exact Sciences
Classification: Likely benign for SYNE1-related condition. Last evaluated: 2024-02-15. Review status: no assertion criteria provided. Collection method: clinical testing. Allele origin: germline. Not counted in ClinVar's aggregate classification.
Comment: This variant is classified as likely benign based on ACMG/AMP sequence variant interpretation guidelines (Richards et al. 2015 PMID: 25741868, with internal and published modifications).

Literature cited by the submitters: PubMed 27165006 (cited by Athena Diagnostics).

NM_182961.4(SYNE1):c.3934G>A (p.Glu1312Lys)

Gene: SYNE1 (spectrin repeat containing nuclear envelope protein 1; minus strand). Cytogenetic location: 6q25.2.
Variant type: single nucleotide variant.
Coding change: c.3934G>A on transcript NM_182961.4 (MANE Select); coding-DNA position 3934, G replaced by A.
Protein change: p.Glu1312Lys; replaces glutamic acid 1312 with lysine.
Molecular consequence: missense variant.
Genome position (GRCh38, 1-based): chr6:152,442,149, C>T on the plus strand (G>A on the coding strand, the complement: SYNE1 is on the minus strand). VCF-style: chr6-152442149-C-T. GRCh37 (hg19) VCF-style: chr6-152763284-C-T.
Other names: c.3955G>A, p.Glu1319Lys (NM_033071.5); short protein forms E1319K, E1312K.
Identifiers: ClinVar variation 283246 (VCV000283246.22), dbSNP rs200276242, ClinGen allele CA4058711.